The following is an entry in ClinVar:

NM_001256317.3(TMPRSS3):c.783C>T (p.Asp261=)

Gene: TMPRSS3 (transmembrane serine protease 3; minus strand). Cytogenetic location: 21q22.3.
Variant type: single nucleotide variant.
Coding change: c.783C>T on transcript NM_001256317.3 (MANE Select); coding-DNA position 783, C replaced by T.
Protein change: p.Asp261=; no amino-acid change (aspartic acid 261 retained).
Molecular consequence: synonymous variant.
Genome position (GRCh38, 1-based): chr21:42,382,234, G>A on the plus strand (C>T on the coding strand, the complement: TMPRSS3 is on the minus strand). VCF-style: chr21-42382234-G-A. GRCh37 (hg19) VCF-style: chr21-43802343-G-A.
Other names: c.783C>T, p.Asp261= (NM_024022.4, NM_032405.2); c.402C>T, p.Asp134= (NM_032404.3).
Identifiers: ClinVar variation 46130 (VCV000046130.6), dbSNP rs397517378, ClinGen allele CA137727.

ClinVar aggregate classification (germline): Likely benign. Review status: criteria provided, multiple submitters, no conflicts (2 of 4 stars). 2 submissions from 2 submitters: Likely benign (2). Last evaluated 2024-06-12.

Allele frequency attached by ClinVar (database versions not stated): gnomAD exomes 0.00002; TOPMed 0.00002; ExAC 0.00003; gnomAD 0.00003 and 0.00004.

Submissions (2):

Blueprint Genetics
Classification: Likely benign. Last evaluated: 2024-06-12. Review status: criteria provided, single submitter. Criteria: ACMG Guidelines, 2015. Collection method: clinical testing. Allele origin: germline.

Laboratory for Molecular Medicine, Mass General Brigham Personalized Medicine
Classification: Likely benign. Last evaluated: 2014-08-11. Review status: criteria provided, single submitter. Criteria: LMM Criteria. Collection method: clinical testing. Allele origin: germline. Observed: 1 variant allele.
Comment: Asp261Asp in exon 9 of TMPRSS3: This variant occurs in the first base of the exo n, which is part of the splicing consensus sequence; however, splice prediction programs do not predict that this change will impact splicing. In addition, the variant does not alter an amino acid residue. For these reasons, this variant is not expected to have clinical significance.